The following is an entry in ClinVar:

ClinVar aggregate classification (germline): Uncertain significance (1 of 4 stars; one submission).

Submission:

Labcorp Genetics (formerly Invitae), Labcorp
Classification: Uncertain significance. Last evaluated: 2025-11-03. Review status: criteria provided, single submitter. Criteria: Invitae Variant Classification Sherloc (09022015). Collection method: clinical testing. Allele origin: germline.
Comment: This sequence change replaces methionine, which is neutral and non-polar, with arginine, which is basic and polar, at codon 1388 of the ARID1A protein (p.Met1388Arg). This variant is not present in population databases (gnomAD no frequency). This variant has not been reported in the literature in individuals affected with ARID1A-related conditions. Invitae Evidence Modeling of protein sequence and biophysical properties (such as structural, functional, and spatial information, amino acid conservation, physicochemical variation, residue mobility, and thermodynamic stability) indicates that this missense variant is not expected to disrupt ARID1A protein function with a negative predictive value of 80%. In summary, the available evidence is currently insufficient to determine the role of this variant in disease. Therefore, it has been classified as a Variant of Uncertain Significance.

NM_006015.6(ARID1A):c.4163T>G (p.Met1388Arg)

Gene: ARID1A (AT-rich interaction domain 1A; plus strand). Cytogenetic location: 1p36.11.
Variant type: single nucleotide variant.
Coding change: c.4163T>G on transcript NM_006015.6 (MANE Select); coding-DNA position 4163, T replaced by G.
Protein change: p.Met1388Arg; replaces methionine 1388 with arginine.
Molecular consequence: missense variant. On other transcripts: intron variant (1).
Genome position (GRCh38, 1-based): chr1:26,774,390, T>G. VCF-style: chr1-26774390-T-G. GRCh37 (hg19) VCF-style: chr1-27100881-T-G.
Other names: c.4101+492T>G (NM_139135.4); short protein forms M1388R.
Identifiers: ClinVar variation 4744523 (VCV004744523.1).